The following is an entry in ClinVar:

ClinVar aggregate classification (germline): Uncertain significance (1 of 4 stars; one submission).

Conditions:
Carnitine palmitoyl transferase 1A deficiency. Also called: Carnitine palmitoyltransferase type I deficiency; Carnitine palmitoyltransferase 1A deficiency; CPT deficiency, hepatic, type IA; CPT I DEFICIENCY; CPT DEFICIENCY, HEPATIC, TYPE I. Identifiers: Orphanet 156, MedGen C1829703, MONDO:0009705, OMIM 255120.

gnomAD v4.1: 7 of 1,613,722 alleles (0.00043%); highest among the groups gnomAD compares: East Asian, 0.0045%; no homozygotes.

Submission:

Labcorp Genetics (formerly Invitae), Labcorp
Classification: Uncertain significance for Carnitine palmitoyl transferase 1A deficiency. Last evaluated: 2025-03-22. Review status: criteria provided, single submitter. Criteria: Invitae Variant Classification Sherloc (09022015). Collection method: clinical testing. Allele origin: germline.
Comment: This sequence change replaces arginine, which is basic and polar, with histidine, which is basic and polar, at codon 749 of the CPT1A protein (p.Arg749His). This variant is present in population databases (rs777689947, gnomAD 0.02%). This missense change has been observed in individual(s) with clinical features of CPT1A-related conditions (PMID: 34374989). Invitae Evidence Modeling of protein sequence and biophysical properties (such as structural, functional, and spatial information, amino acid conservation, physicochemical variation, residue mobility, and thermodynamic stability) has been performed for this missense variant. However, the output from this modeling did not meet the statistical confidence thresholds required to predict the impact of this variant on CPT1A protein function. Algorithms developed to predict the effect of sequence changes on RNA splicing suggest that this variant may disrupt the consensus splice site. In summary, the available evidence is currently insufficient to determine the role of this variant in disease. Therefore, it has been classified as a Variant of Uncertain Significance.

Literature cited by the submitters: PubMed 34374989.

NM_001876.4(CPT1A):c.2246G>A (p.Arg749His)

Gene: CPT1A (carnitine palmitoyltransferase 1A; minus strand). Cytogenetic location: 11q13.3.
Variant type: single nucleotide variant.
Coding change: c.2246G>A on transcript NM_001876.4 (MANE Select); coding-DNA position 2246, G replaced by A.
Protein change: p.Arg749His; replaces arginine 749 with histidine.
Molecular consequence: missense variant. On other transcripts: intron variant (2).
Genome position (GRCh38, 1-based): chr11:68,757,720, C>T on the plus strand (G>A on the coding strand, the complement: CPT1A is on the minus strand). VCF-style: chr11-68757720-C-T. GRCh37 (hg19) VCF-style: chr11-68525188-C-T.
Other names: c.2246G>A, p.Arg749His (NM_001440358.1, NM_001440359.1); c.2153G>A, p.Arg718His (NM_001440362.1); c.2138G>A, p.Arg713His (NM_001440363.1); c.2093G>A, p.Arg698His (NM_001440364.1); c.2060G>A, p.Arg687His (NM_001440365.1); c.2235+1849G>A (NM_001031847.3, NM_001440360.1); short protein forms R698H, R687H, R713H, R718H, R749H.
Identifiers: ClinVar variation 4697035 (VCV004697035.1).